The following is an entry in ClinVar:

NM_000217.3(KCNA1):c.53A>C (p.His18Pro)

Gene: KCNA1 (potassium voltage-gated channel subfamily A member 1; plus strand). Cytogenetic location: 12p13.32.
Variant type: single nucleotide variant.
Coding change: c.53A>C on transcript NM_000217.3 (MANE Select); coding-DNA position 53, A replaced by C.
Protein change: p.His18Pro; replaces histidine 18 with proline.
Molecular consequence: missense variant.
Genome position (GRCh38, 1-based): chr12:4,911,431, A>C. VCF-style: chr12-4911431-A-C. GRCh37 (hg19) VCF-style: chr12-5020597-A-C.
Other names: short protein forms H18P.
Identifiers: ClinVar variation 374425 (VCV000374425.56), dbSNP rs367921276, ClinGen allele CA6399335.

ClinVar aggregate classification (germline): Uncertain significance. Review status: criteria provided, multiple submitters, no conflicts (2 of 4 stars). 7 submissions from 7 submitters: Uncertain significance (6). 1 of the submissions does not count toward it. Last evaluated 2026-04-21.

Conditions:
Inborn genetic diseases. Identifiers: MedGen C0950123, MeSH D030342.
Episodic ataxia type 1 (EA1). Also called: MYOKYMIA WITH PERIODIC ATAXIA; PAROXYSMAL ATAXIA WITH NEUROMYOTONIA, HEREDITARY; Episodic ataxia/myokymia syndrome; ATAXIA, EPISODIC, WITH MYOKYMIA. Identifiers: Orphanet 37612, Orphanet 972, MedGen C1719788, MONDO:0008047, OMIM 160120.
KCNA1-related disorder. Also called: KCNA1-related disorders; KCNA1-related condition.

Allele frequency attached by ClinVar (database versions not stated): ExAC 0.00002; gnomAD exomes 0.00002 and 0.00004; gnomAD 0.00003; ESP Exome Variant Server 0.00015.

Submissions (7):

PreventionGenetics, part of Exact Sciences
Classification: Uncertain significance for KCNA1-related condition. Last evaluated: 2026-04-21. Review status: criteria provided, single submitter. Criteria: ACMG Guidelines, 2015. Collection method: clinical testing. Allele origin: germline.
Comment: The KCNA1 c.53A>C variant is predicted to result in the amino acid substitution p.His18Pro. To our knowledge, this variant has not been reported in the literature. This variant is reported in 0.0047% of alleles in individuals of European (Non-Finnish) descent in gnomAD. At this time, the clinical significance of this variant is uncertain due to the absence of conclusive functional and genetic evidence.

Women's Health and Genetics/Laboratory Corporation of America, LabCorp
Classification: Uncertain significance. Last evaluated: 2025-11-26. Review status: criteria provided, single submitter. Criteria: LabCorp Variant Classification Summary - May 2015. Collection method: clinical testing. Allele origin: germline.
Comment: Variant summary: KCNA1 c.53A>C (p.His18Pro) results in a non-conservative amino acid change in the encoded protein sequence. Algorithms developed to predict the effect of missense changes on protein structure and function all suggest that this variant is likely to be disruptive. The variant allele was found at a frequency of 2e-05 in 247646 control chromosomes. The available data on variant occurrences in the general population are insufficient to allow any conclusion about variant significance. To our knowledge, no occurrence of c.53A>C in individuals affected with KCNA1-related conditions and no experimental evidence demonstrating its impact on protein function have been reported. ClinVar contains an entry for this variant (Variation ID: 374425). Based on the evidence outlined above, the variant was classified as uncertain significance.

Ambry Genetics
Classification: Uncertain significance for Inborn genetic diseases. Last evaluated: 2025-08-01. Review status: criteria provided, single submitter. Criteria: Ambry Variant Classification Scheme 2023. Collection method: clinical testing. Allele origin: germline.

Labcorp Genetics (formerly Invitae), Labcorp
Classification: Uncertain significance for Episodic ataxia type 1. Last evaluated: 2025-07-21. Review status: criteria provided, single submitter. Criteria: Invitae Variant Classification Sherloc (09022015). Collection method: clinical testing. Allele origin: germline.
Comment: This sequence change replaces histidine, which is basic and polar, with proline, which is neutral and non-polar, at codon 18 of the KCNA1 protein (p.His18Pro). This variant is present in population databases (rs367921276, gnomAD 0.004%). This variant has not been reported in the literature in individuals affected with KCNA1-related conditions. ClinVar contains an entry for this variant (Variation ID: 374425). Invitae Evidence Modeling of protein sequence and biophysical properties (such as structural, functional, and spatial information, amino acid conservation, physicochemical variation, residue mobility, and thermodynamic stability) indicates that this missense variant is not expected to disrupt KCNA1 protein function with a negative predictive value of 80%. In summary, the available evidence is currently insufficient to determine the role of this variant in disease. Therefore, it has been classified as a Variant of Uncertain Significance.

Fulgent Genetics
Classification: Uncertain significance for Episodic ataxia type 1. Last evaluated: 2024-02-15. Review status: criteria provided, single submitter. Criteria: ACMG Guidelines, 2015. Collection method: clinical testing. Allele origin: germline.

CeGaT Center for Human Genetics Tuebingen
Classification: Uncertain significance. Last evaluated: 2016-05-01. Review status: criteria provided, single submitter. Criteria: CeGaT Center For Human Genetics Tuebingen Variant Classification Criteria Version 2. Collection method: clinical testing. Allele origin: germline. Affected: yes. Observed: 1 variant allele.

Department of Pathology and Laboratory Medicine, Sinai Health System
Classification: Uncertain significance. Review status: no assertion criteria provided. Collection method: clinical testing. Allele origin: unknown. Affected: yes. Study: The Canadian Open Genetics Repository (COGR). Not counted in ClinVar's aggregate classification.
Comment: The KCNA1 p.His18Pro variant was not identified in the literature nor was it identified in Cosmic. The variant was identified in dbSNP (ID: rs367921276), ClinVar (classified as a VUS by Invitae and Praxis fuer Humangenetik Tuebingen) and LOVD 3.0. The variant was also identified in control databases in 5 of 273910 chromosomes at a frequency of 0.000018 (Genome Aggregation Database Feb 27, 2017). The variant was observed in the following population: European (Non-Finnish) in 5 of 124500 chromosomes (freq: 0.00004), while the variant was not observed in the African, Ashkenazi Jewish, East Asian, European (Finnish), Latino, Other, and South Asian populations. The p.His18 residue is conserved in mammals and computational analyses (PolyPhen-2, SIFT, AlignGVGD, BLOSUM, MutationTaster) provide inconsistent predictions regarding the impact to the protein; this information is not very predictive of pathogenicity. The variant occurs outside of the splicing consensus sequence and in silico or computational prediction software programs (SpliceSiteFinder, MaxEntScan, NNSPLICE, GeneSplicer) do not predict a difference in splicing at the variant location. In summary, based on the above information the clinical significance of this variant cannot be determined with certainty at this time. This variant is classified as a variant of uncertain significance.